The following is an entry in ClinVar:

ClinVar aggregate classification (germline): Conflicting classifications of pathogenicity. Review status: criteria provided, conflicting classifications (1 of 4 stars). 3 submissions from 3 submitters: Uncertain significance (2); Likely benign (1). Last evaluated 2026-01-28.

Conditions:
Familial hypobetalipoproteinemia 1. Also called: Hypobetalipoproteinemia, normotriglyceridemic; Acanthocytosis with hypobetalipoproteinemia; APOB-Related Familial Hypobetalipoproteinemia. Identifiers: MedGen C4551990, MONDO:0014252, OMIM 615558.
Hypercholesterolemia, autosomal dominant, type B (FHCL2). Also called: Familial Hypercholesterolemia Type B; Familial hypercholesterolemia 2; Hyperlipoproteinemia Type IIb; HYPERCHOLESTEROLEMIA, FAMILIAL, DUE TO LIGAND-DEFECTIVE APOLIPOPROTEIN B; APOLIPOPROTEIN B-100, FAMILIAL DEFECTIVE; APOLIPOPROTEIN B-100, FAMILIAL LIGAND-DEFECTIVE. Identifiers: MedGen C1704417, MONDO:0007751, OMIM 144010.

Allele frequency attached by ClinVar (database versions not stated): gnomAD 0.00001; gnomAD exomes 0.00004; ExAC 0.00005; TOPMed 0.00005.
gnomAD v4.1: 36 of 1,614,052 alleles (0.0022%); highest among the groups gnomAD compares: South Asian, 0.013%; no homozygotes.

Submissions (3):

Labcorp Genetics (formerly Invitae), Labcorp
Classification: Likely benign for Familial hypobetalipoproteinemia 1; Hypercholesterolemia, autosomal dominant, type B. Last evaluated: 2026-01-28. Review status: criteria provided, single submitter. Criteria: Invitae Variant Classification Sherloc (09022015). Collection method: clinical testing. Allele origin: germline.

Blueprint Genetics
Classification: Uncertain significance. Last evaluated: 2024-01-04. Review status: criteria provided, single submitter. Criteria: ACMG Guidelines, 2015. Collection method: clinical testing. Allele origin: germline.

Quest Diagnostics Nichols Institute San Juan Capistrano
Classification: Uncertain significance. Last evaluated: 2023-12-13. Review status: criteria provided, single submitter. Criteria: Quest Diagnostics criteria. Collection method: clinical testing. Allele origin: unknown.
Comment: The APOB c.2722G>A (p.Glu908Lys) variant has not been reported in individuals with APOB-related conditions in the published literature. The frequency of this variant in the general population, 0.000098 (3/30614 chromosomes (Genome Aggregation Database)), is uninformative in the assessment of its pathogenicity. Analysis of this variant using bioinformatics tools for the prediction of the effect of amino acid changes on protein structure and function yielded predictions that this variant is damaging. Based on the available information, we are unable to determine the clinical significance of this variant.

NM_000384.3(APOB):c.2722G>A (p.Glu908Lys)

Gene: APOB (apolipoprotein B; minus strand). Cytogenetic location: 2p24.1.
Variant type: single nucleotide variant.
Coding change: c.2722G>A on transcript NM_000384.3 (MANE Select); coding-DNA position 2722, G replaced by A.
Protein change: p.Glu908Lys; replaces glutamic acid 908 with lysine.
Molecular consequence: missense variant.
Genome position (GRCh38, 1-based): chr2:21,022,925, C>T on the plus strand (G>A on the coding strand, the complement: APOB is on the minus strand). VCF-style: chr2-21022925-C-T. GRCh37 (hg19) VCF-style: chr2-21245797-C-T.
Other names: short protein forms E908K.
Identifiers: ClinVar variation 925420 (VCV000925420.16), dbSNP rs761179789, ClinGen allele CA057089.